The following is an entry in ClinVar:

ClinVar aggregate classification (germline): Pathogenic (1 of 4 stars; one submission).

Submission:

GeneDx
Classification: Pathogenic. Last evaluated: 2024-02-08. Review status: criteria provided, single submitter. Criteria: GeneDx Variant Classification Process June 2021. Collection method: clinical testing. Allele origin: germline. Affected: yes.
Comment: Not observed at significant frequency in large population cohorts (gnomAD); In silico analysis supports that this missense variant has a deleterious effect on protein structure/function; This variant is associated with the following publications: (PMID: 35693553, 36310603, 34041744)

NM_001320.7(CSNK2B):c.409T>C (p.Cys137Arg)

Gene: CSNK2B (casein kinase 2 beta; plus strand). Cytogenetic location: 6p21.33.
Variant type: single nucleotide variant.
Coding change: c.409T>C on transcript NM_001320.7 (MANE Select); coding-DNA position 409, T replaced by C.
Protein change: p.Cys137Arg; replaces cysteine 137 with arginine.
Molecular consequence: missense variant.
Genome position (GRCh38, 1-based): chr6:31,669,360, T>C. VCF-style: chr6-31669360-T-C. GRCh37 (hg19) VCF-style: chr6-31637137-T-C.
Other names: c.400T>C, p.Cys134Arg (NM_001282385.2); short protein forms C134R, C137R.
Identifiers: ClinVar variation 3342385 (VCV003342385.1).